The following is an entry in ClinVar:

NM_001048174.2(MUTYH):c.1427C>G (p.Thr476Ser)

Gene: MUTYH (mutY DNA glycosylase; minus strand). Cytogenetic location: 1p34.1.
Variant type: single nucleotide variant.
Coding change: c.1427C>G on transcript NM_001048174.2 (MANE Select); coding-DNA position 1427, C replaced by G.
Protein change: p.Thr476Ser; replaces threonine 476 with serine.
Molecular consequence: missense variant. On other transcripts: non-coding transcript variant (7).
Genome position (GRCh38, 1-based): chr1:45,330,523, G>C on the plus strand (C>G on the coding strand, the complement: MUTYH is on the minus strand). VCF-style: chr1-45330523-G-C. GRCh37 (hg19) VCF-style: chr1-45796195-G-C.
Other names: c.1427C>G, p.Thr476Ser (NM_001048171.2, NM_001048173.2, NM_001293195.2 and 6 more transcripts); c.1430C>G, p.Thr477Ser (NM_001048172.2, NM_001407071.1, NM_001407086.1 and 1 more transcripts); c.1511C>G, p.Thr504Ser (NM_001128425.2); c.1472C>G, p.Thr491Ser (NM_001293190.2); c.1460C>G, p.Thr487Ser (NM_001293191.2, NM_001407069.1, NM_001407077.1); c.1151C>G, p.Thr384Ser (NM_001293192.2, NM_001293196.2, NM_001407091.1); c.1082C>G, p.Thr361Ser (NM_001350650.2, NM_001350651.2, NM_001407082.1); c.1448C>G, p.Thr483Ser (NM_001407087.1); and 5 more; short protein forms T476S, T487S, T501S, T361S, T384S, T462S, T463S, T477S.
Identifiers: ClinVar variation 4113306 (VCV004113306.1).

ClinVar aggregate classification (germline): Uncertain significance (1 of 4 stars; one submission).

Conditions:
Hereditary cancer-predisposing syndrome. Also called: Tumor predisposition; Neoplastic Syndromes, Hereditary; Hereditary neoplastic syndrome; Hereditary Cancer Syndrome. Identifiers: Orphanet 140162, MedGen C0027672, MeSH D009386, MONDO:0015356.

Submission:

Ambry Genetics
Classification: Uncertain significance for Hereditary cancer-predisposing syndrome. Last evaluated: 2025-08-27. Review status: criteria provided, single submitter. Criteria: Ambry Variant Classification Scheme 2023. Collection method: clinical testing. Allele origin: germline.
Comment: The p.T504S variant (also known as c.1511C>G), located in coding exon 15 of the MUTYH gene, results from a C to G substitution at nucleotide position 1511. The threonine at codon 504 is replaced by serine, an amino acid with similar properties. This amino acid position is conserved. In addition, this alteration is predicted to be tolerated by in silico analysis. Based on the available evidence, the clinical significance of this variant remains unclear.